The following is an entry in ClinVar:

NM_014362.4(HIBCH):c.385+5G>A

Gene: HIBCH (3-hydroxyisobutyryl-CoA hydrolase; minus strand). Cytogenetic location: 2q32.2.
Variant type: single nucleotide variant.
Coding change: c.385+5G>A on transcript NM_014362.4 (MANE Select); 5 bases into the intron after coding-DNA position 385, G replaced by A.
Molecular consequence: intron variant.
Genome position (GRCh38, 1-based): chr2:190,290,400, C>T on the plus strand (G>A on the coding strand, the complement: HIBCH is on the minus strand). VCF-style: chr2-190290400-C-T. GRCh37 (hg19) VCF-style: chr2-191155126-C-T.
Other names: c.385+5G>A (NM_198047.3).
Identifiers: ClinVar variation 4998021 (VCV004998021.1).

ClinVar aggregate classification (germline): Uncertain significance (1 of 4 stars; one submission).

Conditions:
HIBCH-related disorder. Also called: HIBCH-related condition.

Submission:

PreventionGenetics, part of Exact Sciences
Classification: Uncertain significance for HIBCH-related condition. Last evaluated: 2026-04-24. Review status: criteria provided, single submitter. Criteria: ACMG Guidelines, 2015. Collection method: clinical testing. Allele origin: germline.
Comment: The HIBCH c.385+5G>A variant is predicted to interfere with splicing. This variant is predicted to alter splicing based on available splicing prediction software (SpliceAI, Jaganathan et al. 2019. PubMed ID: 30661751; Alamut Visual v1.6.1). However, the use of computer prediction software is not equivalent to functional evidence. To our knowledge, this variant has not been reported in the literature or in a large population database (gnomAD), indicating this variant is rare. Although we suspect that this variant may be pathogenic, the clinical significance of this variant is currently classified as uncertain due to the absence of conclusive functional and genetic evidence.